The following is an entry in ClinVar:

ClinVar aggregate classification (germline): Uncertain significance (1 of 4 stars; one submission).

Conditions:
CHARGE syndrome (CHARGE). Also called: Hittner Hirsch Kreh syndrome; CHARGE ASSOCIATION--COLOBOMA, HEART ANOMALY, CHOANAL ATRESIA, RETARDATION, GENITAL AND EAR ANOMALIES; Coloboma, heart anomaly, choanal atresia, retardation, genital and ear anomalies; CHARGE association; Hall-Hittner syndrome. Identifiers: Orphanet 138, MedGen C0265354, MONDO:0008965.

Allele frequency attached by ClinVar (database versions not stated): gnomAD exomes below 0.00001.
gnomAD v4.1: 1 of 1,613,732 alleles (0.000062%); highest among the groups gnomAD compares: Admixed American, 0.0017%; no homozygotes.

Submission:

Labcorp Genetics (formerly Invitae), Labcorp
Classification: Uncertain significance for CHARGE syndrome. Last evaluated: 2023-02-05. Review status: criteria provided, single submitter. Criteria: Invitae Variant Classification Sherloc (09022015). Collection method: clinical testing. Allele origin: germline.
Comment: This sequence change replaces alanine, which is neutral and non-polar, with serine, which is neutral and polar, at codon 2823 of the CHD7 protein (p.Ala2823Ser). This variant is not present in population databases (gnomAD no frequency). This variant has not been reported in the literature in individuals affected with CHD7-related conditions. Advanced modeling of protein sequence and biophysical properties (such as structural, functional, and spatial information, amino acid conservation, physicochemical variation, residue mobility, and thermodynamic stability) performed at Invitae indicates that this missense variant is not expected to disrupt CHD7 protein function. In summary, the available evidence is currently insufficient to determine the role of this variant in disease. Therefore, it has been classified as a Variant of Uncertain Significance.

NM_017780.4(CHD7):c.8467G>T (p.Ala2823Ser)

Gene: CHD7 (chromodomain helicase DNA binding protein 7; plus strand). Cytogenetic location: 8q12.2.
Variant type: single nucleotide variant.
Coding change: c.8467G>T on transcript NM_017780.4 (MANE Select); coding-DNA position 8467, G replaced by T.
Protein change: p.Ala2823Ser; replaces alanine 2823 with serine.
Molecular consequence: missense variant.
Genome position (GRCh38, 1-based): chr8:60,865,406, G>T. VCF-style: chr8-60865406-G-T. GRCh37 (hg19) VCF-style: chr8-61777965-G-T.
Other names: c.2320G>T, p.Ala774Ser (NM_001316690.1); short protein forms A774S, A2823S.
Identifiers: ClinVar variation 2899315 (VCV002899315.3), dbSNP rs2488147727, ClinGen allele CA371309681.